The following is an entry in ClinVar:

ClinVar aggregate classification (germline): Uncertain significance (1 of 4 stars; one submission).

gnomAD v4.1: 43 of 1,606,584 alleles (0.0027%); highest among the groups gnomAD compares: Non-Finnish European, 0.0035%; no homozygotes.

Submission:

Women's Health and Genetics/Laboratory Corporation of America, LabCorp
Classification: Uncertain significance. Last evaluated: 2025-12-16. Review status: criteria provided, single submitter. Criteria: LabCorp Variant Classification Summary - May 2015. Collection method: clinical testing. Allele origin: germline.
Comment: Variant summary: DSE NM_013352 c.-112459C>T is located in the untranscribed region upstream of the DSE gene region. The variant allele was found at a frequency of 4e-06 in 251270 control chromosomes. The available data on variant occurrences in the general population are insufficient to allow any conclusion about variant significance. To our knowledge, no occurrence of c.-112459C>T in individuals affected with DSE-related conditions and no experimental evidence demonstrating its impact on protein function have been reported. No submitters have cited clinical-significance assessments for this variant to ClinVar. Based on the evidence outlined above, the variant was classified as uncertain significance.

NM_013352.4(DSE):c.-112459C>T

Gene: DSE (dermatan sulfate epimerase; plus strand). Cytogenetic location: 6q22.1.
Variant type: single nucleotide variant.
Coding change: c.-112459C>T on transcript NM_013352.4 (MANE Select); 112459 bases upstream of the start codon, C replaced by T.
Molecular consequence: genic upstream transcript variant. On other transcripts: 5 prime UTR variant (6).
Genome position (GRCh38, 1-based): chr6:116,258,716, C>T. VCF-style: chr6-116258716-C-T. GRCh37 (hg19) VCF-style: chr6-116579879-C-T.
Other names: c.-305C>T (NM_001322937.2, NM_001322938.2, NM_001374522.1); c.-862C>T (NM_001322940.2); c.-1205C>T (NM_001374520.1); c.-892C>T (NM_001374521.1).
Identifiers: ClinVar variation 4688263 (VCV004688263.1).